The following is an entry in ClinVar:

ClinVar aggregate classification (germline): Uncertain significance. Review status: criteria provided, multiple submitters, no conflicts (2 of 4 stars). 3 submissions from 3 submitters: Uncertain significance (3). Last evaluated 2025-08-22.

Conditions:
Inborn genetic diseases. Identifiers: MedGen C0950123, MeSH D030342.
Pontocerebellar hypoplasia type 1B. Also called: EXOSC3 Pontocerebellar Hypoplasia. Identifiers: Orphanet 2254, MedGen C3553449, MONDO:0013853, OMIM 614678.

gnomAD v4.1: 41 of 1,594,752 alleles (0.0026%); highest among the groups gnomAD compares: Admixed American, 0.0067%; no homozygotes.

Submissions (3):

Ambry Genetics
Classification: Uncertain significance for Inborn genetic diseases. Last evaluated: 2025-08-22. Review status: criteria provided, single submitter. Criteria: Ambry Variant Classification Scheme 2023. Collection method: clinical testing. Allele origin: germline.

Labcorp Genetics (formerly Invitae), Labcorp
Classification: Uncertain significance for Pontocerebellar hypoplasia type 1B. Last evaluated: 2022-05-12. Review status: criteria provided, single submitter. Criteria: Invitae Variant Classification Sherloc (09022015). Collection method: clinical testing. Allele origin: germline.
Comment: This sequence change replaces alanine, which is neutral and non-polar, with valine, which is neutral and non-polar, at codon 2 of the EXOSC3 protein (p.Ala2Val). This variant is present in population databases (rs754046728, gnomAD 0.006%). This variant has not been reported in the literature in individuals affected with EXOSC3-related conditions. Algorithms developed to predict the effect of missense changes on protein structure and function (SIFT, PolyPhen-2, Align-GVGD) all suggest that this variant is likely to be tolerated. In summary, the available evidence is currently insufficient to determine the role of this variant in disease. Therefore, it has been classified as a Variant of Uncertain Significance.

Women's Health and Genetics/Laboratory Corporation of America, LabCorp
Classification: Uncertain significance. Last evaluated: 2022-02-17. Review status: criteria provided, single submitter. Criteria: LabCorp Variant Classification Summary - May 2015. Collection method: clinical testing. Allele origin: germline.

NM_016042.4(EXOSC3):c.5C>T (p.Ala2Val)

Gene: EXOSC3 (exosome component 3; minus strand). Cytogenetic location: 9p13.2.
Variant type: single nucleotide variant.
Coding change: c.5C>T on transcript NM_016042.4 (MANE Select); coding-DNA position 5, C replaced by T.
Protein change: p.Ala2Val; replaces alanine 2 with valine.
Molecular consequence: missense variant.
Genome position (GRCh38, 1-based): chr9:37,785,040, G>A on the plus strand (C>T on the coding strand, the complement: EXOSC3 is on the minus strand). VCF-style: chr9-37785040-G-A. GRCh37 (hg19) VCF-style: chr9-37785037-G-A.
Other names: c.5C>T (NM_016042.2); c.5C>T, p.Ala2Val (NM_001002269.2); short protein forms A2V.
Identifiers: ClinVar variation 1343680 (VCV001343680.4), dbSNP rs754046728, ClinGen allele CA5062896.